The following is an entry in ClinVar:

NM_004329.3(BMPR1A):c.538T>C (p.Cys180Arg)

Gene: BMPR1A (bone morphogenetic protein receptor type 1A; plus strand). Cytogenetic location: 10q23.2.
Variant type: single nucleotide variant.
Coding change: c.538T>C on transcript NM_004329.3 (MANE Select); coding-DNA position 538, T replaced by C.
Protein change: p.Cys180Arg; replaces cysteine 180 with arginine.
Molecular consequence: missense variant.
Genome position (GRCh38, 1-based): chr10:86,912,247, T>C. VCF-style: chr10-86912247-T-C. GRCh37 (hg19) VCF-style: chr10-88672004-T-C.
Other names: c.613T>C, p.Cys205Arg (NM_001406559.1); c.586T>C, p.Cys196Arg (NM_001406560.1); c.538T>C, p.Cys180Arg (NM_001406561.1, NM_001406562.1, NM_001406563.1 and 20 more transcripts); c.454T>C, p.Cys152Arg (NM_001406584.1, NM_001406585.1, NM_001406586.1 and 2 more transcripts); short protein forms C152R, C180R, C196R, C205R.
Identifiers: ClinVar variation 1718166 (VCV001718166.7), dbSNP rs2539571798, ClinGen allele CA377454074.
Genomic context (GRCh38, chr10:86,912,247, plus strand): 5'-GGGTTTTATAGTTTTTCATTTTTAATGTAGATTGTTTTCTGCTTTTTTAAAAGACATTAT[T>C]GCAAGAGCATCTCAAGCAGACGTCGTTACAATCGTGATTTGGAACAGGATGAAGCATTTA-3'
Protein context (NP_004320.2, residues 170-190): FSSCFCYKHY[Cys180Arg]KSISSRRRYN

ClinVar aggregate classification (germline): Uncertain significance. Review status: criteria provided, multiple submitters, no conflicts (2 of 4 stars). 2 submissions from 2 submitters: Uncertain significance (2). Last evaluated 2025-10-01.

Conditions:
Juvenile polyposis syndrome (JPS). Identifiers: Orphanet 2929, MedGen C0345893, MONDO:0017380, OMIM 174900.
Hereditary cancer-predisposing syndrome. Also called: Hereditary neoplastic syndrome; Tumor predisposition; Neoplastic Syndromes, Hereditary; Hereditary Cancer Syndrome. Identifiers: Orphanet 140162, MedGen C0027672, MeSH D009386, MONDO:0015356.

Allele frequency attached by ClinVar (database versions not stated): gnomAD exomes below 0.00001.
gnomAD v4.1: 1 of 1,613,428 alleles (0.000062%); highest among the groups gnomAD compares: Non-Finnish European, 0.000085%; no homozygotes.

Submissions (2):

Labcorp Genetics (formerly Invitae), Labcorp
Classification: Uncertain significance for Juvenile polyposis syndrome. Last evaluated: 2025-10-01. Review status: criteria provided, single submitter. Criteria: Invitae Variant Classification Sherloc (09022015). Collection method: clinical testing. Allele origin: germline.
Comment: This sequence change replaces cysteine, which is neutral and slightly polar, with arginine, which is basic and polar, at codon 180 of the BMPR1A protein (p.Cys180Arg). This variant is not present in population databases (gnomAD no frequency). This variant has not been reported in the literature in individuals affected with BMPR1A-related conditions. ClinVar contains an entry for this variant (Variation ID: 1718166). Invitae Evidence Modeling of protein sequence and biophysical properties (such as structural, functional, and spatial information, amino acid conservation, physicochemical variation, residue mobility, and thermodynamic stability) indicates that this missense variant is not expected to disrupt BMPR1A protein function with a negative predictive value of 80%. In summary, the available evidence is currently insufficient to determine the role of this variant in disease. Therefore, it has been classified as a Variant of Uncertain Significance.

Color Diagnostics, LLC DBA Color Health
Classification: Uncertain significance for Hereditary cancer-predisposing syndrome. Last evaluated: 2025-04-07. Review status: criteria provided, single submitter. Criteria: ACMG Guidelines, 2015. Collection method: clinical testing. Allele origin: germline.
Comment: This missense variant replaces cysteine with arginine at codon 180 of the BMPR1A protein. Computational prediction suggests that this variant may not impact protein structure and function (internally defined REVEL score threshold <= 0.5, PMID: 27666373). To our knowledge, functional studies have not been reported for this variant. This variant has not been reported in individuals affected with BMPR1A-related disorders in the literature. This variant has not been identified in the general population by the Genome Aggregation Database (gnomAD). The available evidence is insufficient to determine the role of this variant in disease conclusively. Therefore, this variant is classified as a Variant of Uncertain Significance.